The following is an entry in ClinVar:

ClinVar aggregate classification (germline): Uncertain significance (1 of 4 stars; one submission).

Conditions:
Hereditary cancer-predisposing syndrome. Also called: Tumor predisposition; Hereditary Cancer Syndrome; Neoplastic Syndromes, Hereditary; Hereditary neoplastic syndrome. Identifiers: Orphanet 140162, MedGen C0027672, MeSH D009386, MONDO:0015356.

Submission:

Ambry Genetics
Classification: Uncertain significance for Hereditary cancer-predisposing syndrome. Last evaluated: 2022-09-09. Review status: criteria provided, single submitter. Criteria: Ambry Variant Classification Scheme 2023. Collection method: clinical testing. Allele origin: germline.
Comment: The c.2784+2T>A intronic variant results from a T to A substitution two nucleotides after coding exon 11 in the MET gene. This nucleotide position is highly conserved in available vertebrate species. In silico splice site analysis predicts that this alteration will weaken the native splice donor site and will result in the creation or strengthening of a novel splice donor site. Alterations that disrupt the canonical splice site are expected to cause aberrant splicing, resulting in an abnormal protein or a transcript that is subject to nonsense-mediated mRNA decay. However, loss of function of MET has not been established as a mechanism of disease. Since supporting evidence is limited at this time, the clinical significance of this alteration remains unclear.

NM_000245.4(MET):c.2730+2T>A

Gene: MET (MET proto-oncogene, receptor tyrosine kinase; plus strand). Cytogenetic location: 7q31.2.
Variant type: single nucleotide variant.
Coding change: c.2730+2T>A on transcript NM_000245.4 (MANE Select); the canonical splice donor site of the intron after coding-DNA position 2730, T replaced by A.
Molecular consequence: splice donor variant. On other transcripts: missense variant (1).
Genome position (GRCh38, 1-based): chr7:116,769,793, T>A. VCF-style: chr7-116769793-T-A. GRCh37 (hg19) VCF-style: chr7-116409847-T-A.
Other names: c.2732T>A, p.Val911Glu (NM_001324401.3); c.2784+2T>A (NM_001127500.3); c.1440+2T>A (NM_001324402.2); short protein forms V911E.
Identifiers: ClinVar variation 1795966 (VCV001795966.2), dbSNP rs2485768291, ClinGen allele CA368985913.